The following is an entry in ClinVar:

ClinVar aggregate classification (germline): Uncertain significance (1 of 4 stars; one submission).

Conditions:
Stormorken syndrome (STRMK). Also called: THROMBOCYTOPATHY, ASPLENIA, AND MIOSIS. Identifiers: Orphanet 3204, MedGen C1861451, MONDO:0008497, OMIM 185070.
Combined immunodeficiency due to STIM1 deficiency. Also called: IMMUNODEFICIENCY 10; STIM1 DEFICIENCY. Identifiers: Orphanet 169090, Orphanet 317430, MedGen C2748557, MONDO:0013008, OMIM 612783.
Myopathy with tubular aggregates (TAM). Also called: Tubular Aggregate Myopathy. Identifiers: Orphanet 2593, MedGen C0410207, MONDO:0008051.

Allele frequency attached by ClinVar (database versions not stated): gnomAD exomes below 0.00001.
gnomAD v4.1: 1 of 1,614,238 alleles (0.000062%); highest among the groups gnomAD compares: South Asian, 0.0011%; no homozygotes.

Submission:

Labcorp Genetics (formerly Invitae), Labcorp
Classification: Uncertain significance for Myopathy with tubular aggregates; Combined immunodeficiency due to STIM1 deficiency; Stormorken syndrome. Last evaluated: 2023-12-09. Review status: criteria provided, single submitter. Criteria: Invitae Variant Classification Sherloc (09022015). Collection method: clinical testing. Allele origin: germline.
Comment: This sequence change replaces alanine, which is neutral and non-polar, with serine, which is neutral and polar, at codon 453 of the STIM1 protein (p.Ala453Ser). This variant is not present in population databases (gnomAD no frequency). This variant has not been reported in the literature in individuals affected with STIM1-related conditions. Advanced modeling of protein sequence and biophysical properties (such as structural, functional, and spatial information, amino acid conservation, physicochemical variation, residue mobility, and thermodynamic stability) has been performed at Invitae for this missense variant, however the output from this modeling did not meet the statistical confidence thresholds required to predict the impact of this variant on STIM1 protein function. In summary, the available evidence is currently insufficient to determine the role of this variant in disease. Therefore, it has been classified as a Variant of Uncertain Significance.

NM_001382567.1(STIM1):c.1357G>T (p.Ala453Ser)

Gene: STIM1 (stromal interaction molecule 1; plus strand). Cytogenetic location: 11p15.4.
Variant type: single nucleotide variant.
Coding change: c.1357G>T on transcript NM_001382567.1 (MANE Select); coding-DNA position 1357, G replaced by T.
Protein change: p.Ala453Ser; replaces alanine 453 with serine.
Molecular consequence: missense variant. On other transcripts: non-coding transcript variant (2).
Genome position (GRCh38, 1-based): chr11:4,083,381, G>T. VCF-style: chr11-4083381-G-T. GRCh37 (hg19) VCF-style: chr11-4104611-G-T.
Other names: c.1357G>T, p.Ala453Ser (NM_001277961.3, NM_001277962.2, NM_003156.4); c.1135G>T, p.Ala379Ser (NM_001382566.1, NM_001382573.1, NM_001382575.1 and 4 more transcripts); c.1378G>T, p.Ala460Ser (NM_001382568.1); c.1222G>T, p.Ala408Ser (NM_001382569.1); c.1129G>T, p.Ala377Ser (NM_001382570.1); c.877G>T, p.Ala293Ser (NM_001382571.1); c.868G>T, p.Ala290Ser (NM_001382580.1, NM_001382581.1); short protein forms A377S, A290S, A379S, A293S, A408S, A453S, A460S.
Identifiers: ClinVar variation 2954504 (VCV002954504.3), dbSNP rs1590697726, ClinGen allele CA379194287.